The following is an entry in ClinVar:

NM_004423.4(DVL3):c.416T>G (p.Val139Gly)

Gene: DVL3 (dishevelled segment polarity protein 3; plus strand). Cytogenetic location: 3q27.1.
Variant type: single nucleotide variant.
Coding change: c.416T>G on transcript NM_004423.4 (MANE Select); coding-DNA position 416, T replaced by G.
Protein change: p.Val139Gly; replaces valine 139 with glycine.
Molecular consequence: missense variant.
Genome position (GRCh38, 1-based): chr3:184,164,554, T>G. VCF-style: chr3-184164554-T-G. GRCh37 (hg19) VCF-style: chr3-183882342-T-G.
Other names: short protein forms V139G.
Identifiers: ClinVar variation 4015519 (VCV004015519.2).

ClinVar aggregate classification (germline): Uncertain significance. Review status: criteria provided, multiple submitters, no conflicts (2 of 4 stars). 2 submissions from 2 submitters: Uncertain significance (2). Last evaluated 2025-09-30.

Conditions:
Inborn genetic diseases. Identifiers: MedGen C0950123, MeSH D030342.

gnomAD v4.1: 3 of 1,575,646 alleles (0.00019%); highest among the groups gnomAD compares: Admixed American, 0.0018%; no homozygotes.

Submissions (2):

Labcorp Genetics (formerly Invitae), Labcorp
Classification: Uncertain significance. Last evaluated: 2025-09-30. Review status: criteria provided, single submitter. Criteria: Invitae Variant Classification Sherloc (09022015). Collection method: clinical testing. Allele origin: germline.
Comment: This sequence change replaces valine, which is neutral and non-polar, with glycine, which is neutral and non-polar, at codon 139 of the DVL3 protein (p.Val139Gly). This variant is not present in population databases (gnomAD no frequency). This variant has not been reported in the literature in individuals affected with DVL3-related conditions. ClinVar contains an entry for this variant (Variation ID: 4015519). Invitae Evidence Modeling of protein sequence and biophysical properties (such as structural, functional, and spatial information, amino acid conservation, physicochemical variation, residue mobility, and thermodynamic stability) indicates that this missense variant is not expected to disrupt DVL3 protein function with a negative predictive value of 80%. In summary, the available evidence is currently insufficient to determine the role of this variant in disease. Therefore, it has been classified as a Variant of Uncertain Significance.

Ambry Genetics
Classification: Uncertain significance for Inborn genetic diseases. Last evaluated: 2025-05-14. Review status: criteria provided, single submitter. Criteria: Ambry Variant Classification Scheme 2023. Collection method: clinical testing. Allele origin: germline.